The following is an entry in ClinVar:

ClinVar aggregate classification (germline): Conflicting classifications of pathogenicity. Review status: criteria provided, conflicting classifications (1 of 4 stars). 25 submissions from 25 submitters: Pathogenic (7); Likely pathogenic (12); Uncertain significance (2). 4 of the submissions do not count toward it. Last evaluated 2026-08-04.

Conditions:
EYS-related retinopathy. Identifiers: MedGen CN322597, MONDO:0800391.
EYS-related disorder. Also called: EYS-related condition.
Retinal dystrophy. Also called: Inherited retinal dystrophy. Identifiers: Orphanet 71862, MedGen C0854723, MeSH D058499, MONDO:0019118, HP:0000556.
Retinitis pigmentosa (RP). Identifiers: Orphanet 791, MedGen C0035334, MeSH D012174, MONDO:0019200, OMIM 268000. Inheritance: Autosomal dominant, autosomal recessive and X linked inheritance.
Retinal disorder. Also called: Retinal disorders; Retinopathies; Retinal Diseases; Retinopathy. Identifiers: MedGen C0035309, MONDO:0005283, HP:0000488.
Retinitis pigmentosa 25 (RP25). Identifiers: Orphanet 791, MedGen C1864446, MONDO:0011272, OMIM 602772.

Allele frequency attached by ClinVar (database versions not stated): gnomAD 0.00034 and 0.00036; gnomAD exomes 0.00034 and 0.00074; TOPMed 0.00036; ESP Exome Variant Server 0.00066; ExAC 0.00115; 1000 Genomes Project 0.00020; 1000 Genomes Project 30x 0.00031.
gnomAD v4.1: 548 of 1,531,944 alleles (0.036%); highest among the groups gnomAD compares: Middle Eastern, 0.42%; 4 homozygotes.

Submissions 1 to 12 of 25:

PreventionGenetics, part of Exact Sciences
Classification: Likely pathogenic for EYS-related condition. Last evaluated: 2026-08-04. Review status: criteria provided, single submitter. Criteria: ACMG Guidelines, 2015. Collection method: clinical testing. Allele origin: germline.
Comment: The EYS c.2137+1G>A variant is predicted to disrupt the GT donor site and interfere with normal splicing. This variant has been reported in the homozygous state and with a second potentially causative variant in several individuals with suspected retinitis pigmentosa (McGuigan et al. 2017. PubMed ID: 28704921; Cundy et al. 2020. PubMed ID: 32728228; Colombo et al. 2021. PubMed ID: 33576794). This variant is present in 0.89% of alleles in individuals of Ashkenazi Jewish descent in gnomAD, including one homozygous individual. Variants that disrupt the consensus splice donor site in EYS are expected to be pathogenic. However, this variant is predicted to result in an in-frame transcript if it alters splicing. In ClinVar, this variant has been interpreted as likely pathogenic and pathogenic by outside laboratories (Variation ID: 421249). We classify this variant as likely pathogenic.

Dasa
Classification: Likely pathogenic. Last evaluated: 2026-04-21. Review status: criteria provided, single submitter. Criteria: DASA Assertion Criteria. Collection method: clinical testing. Allele origin: germline.
Comment: NM_001142800.2(EYS):c.2137+1G>A affects a canonical splice site and is predicted to disrupt normal RNA splicing. Loss of function is an established disease mechanism for EYS-associated disorders. This variant has been recurrently observed in individuals with EYS-related disorders (PMID: 28704921; PMID: 37644014; PMID: 38465142). Also, this variant is rare in population databases. Based on the currently available evidence, this variant is classified as likely pathogenic.

Labcorp Genetics (formerly Invitae), Labcorp
Classification: Likely pathogenic. Last evaluated: 2026-02-02. Review status: criteria provided, single submitter. Criteria: Invitae Variant Classification Sherloc (09022015). Collection method: clinical testing. Allele origin: germline.
Comment: This sequence change affects a donor splice site in intron 13 of the EYS gene. It is expected to disrupt RNA splicing. Variants that disrupt the donor or acceptor splice site typically lead to a loss of protein function (PMID: 16199547), and loss-of-function variants in EYS are known to be pathogenic (PMID: 18836446, 20333770). This variant is present in population databases (rs199740930, gnomAD 0.9%), and has an allele count higher than expected for a pathogenic variant. Disruption of this splice site has been observed in individual(s) with retinitis pigmentosa (PMID: 28704921, 30718709, 33576794). ClinVar contains an entry for this variant (Variation ID: 421249). Algorithms developed to predict the effect of sequence changes on RNA splicing suggest that this variant may disrupt the consensus splice site. In summary, the currently available evidence indicates that the variant is pathogenic, but additional data are needed to prove that conclusively. Therefore, this variant has been classified as Likely Pathogenic.

GeneDx
Classification: Likely pathogenic. Last evaluated: 2025-12-15. Review status: criteria provided, single submitter. Criteria: GeneDx Variant Classification Process June 2021. Collection method: clinical testing. Allele origin: germline. Affected: yes.
Comment: Observed with a second EYS variant, phase unknown, in patients with retinitis pigmentosa in literature; however, these patients had variants in other genes that may have also contributed to the phenotype (PMID: 32728228, 33576794, 30718709); Canonical splice site variant predicted to result in an in-frame loss of the adjacent exon in a gene for which loss of function is a known mechanism of disease; This variant is associated with the following publications: (PMID: 30718709, 28704921, 34426522, 31589614, 31456290, 31980526, 32552793, 33576794, 32728228, 37734845, 31964843, 35272565, Abiib[thesis]2023, 37028505, 36941944, 37644014, 38465142, 38927702, 37798099)

Genetics Laboratory, Great Ormond Street Hospital NHS Foundation Trust, North Thames Genomic Laboratory Hub
Classification: Uncertain significance for Retinal disorders. Last evaluated: 2025-10-10. Review status: criteria provided, single submitter. Criteria: ACGS Best Practice Guidelines for Variant Classification in Rare Disease 2024 v1.2. Collection method: clinical testing. Allele origin: germline. Affected: yes.
Comment: PVS1_moderate, PM3_moderate

Natera, Inc.
Classification: Likely pathogenic for Retinitis pigmentosa type 25. Last evaluated: 2025-10-02. Review status: criteria provided, single submitter. Criteria: Natera Variant Classification Schema (03/2026). Collection method: clinical testing. Allele origin: germline.
Comment: The c.2137+1G>A variant in EYS is a canonical splice donor site variant predicted to affect pre-mRNA splicing, which may result in an abnormal transcript and altered protein product. This variant may result in a truncated or dysfunctional protein product. This variant is rare in the general population with a frequency below the threshold expected for the associated phenotype(s). This variant has been observed in at least one unaffected individual, with a zygosity that is consistent with the inheritance pattern for the associated condition (in gnomAD and/or literature). This variant has been observed in one or more individuals affected with the associated recessive disease, as either homozygous or compound heterozygous with a second variant (PMID: 38465142, 28704921). Given the available evidence, this variant is classified as Likely Pathogenic.

First Genomix Gene Laboratory, Genetic Diagnostics Department
Classification: Pathogenic for Retinitis pigmentosa 25. Last evaluated: 2025-05-27. Review status: criteria provided, single submitter. Criteria: ACMG Guidelines, 2015. Collection method: clinical testing. Allele origin: germline. Inheritance: Autosomal recessive inheritance. Affected: no. Observed: 1 variant allele.

Blueprint Genetics
Classification: Uncertain significance. Last evaluated: 2024-11-26. Review status: criteria provided, single submitter. Criteria: ACMG Guidelines, 2015. Collection method: clinical testing. Allele origin: germline.

Revvity Omics, Revvity
Classification: Likely pathogenic for Retinitis pigmentosa 25. Last evaluated: 2024-07-26. Review status: criteria provided, single submitter. Criteria: ACMG Guidelines, 2015. Collection method: clinical testing. Allele origin: germline.

Genomic Medicine Center of Excellence, King Faisal Specialist Hospital and Research Centre
Classification: Pathogenic for Retinitis pigmentosa 25. Last evaluated: 2024-06-29. Review status: criteria provided, single submitter. Criteria: ACMG Guidelines, 2015. Collection method: clinical testing. Allele origin: germline.

3billion
Classification: Pathogenic for Retinitis pigmentosa 25. Last evaluated: 2024-06-20. Review status: criteria provided, single submitter. Criteria: ACMG Guidelines, 2015. Collection method: clinical testing. Allele origin: germline. Affected: yes.
Comment: The variant is observed at an extremely low frequency in the gnomAD v4.0.0 dataset (total allele frequency: 0.036%). Predicted Consequence/Location: Canonical splice site: predicted to alter splicing and result in a loss or disruption of normal protein function. Multiple pathogenic loss-of-function variants are reported downstream of the variant. The variant has been reported at least twice as pathogenic with clinical assertions and evidence for the classification (ClinVar ID: VCV000421249 /PMID: 28704921 /3billion dataset). Therefore, this variant is classified as Pathogenic according to the recommendation of ACMG/AMP guideline.

Baylor Genetics
Classification: Pathogenic for Retinitis pigmentosa 25. Last evaluated: 2024-03-30. Review status: criteria provided, single submitter. Criteria: ACMG Guidelines, 2015. Collection method: clinical testing. Allele origin: unknown.

NM_001142800.2(EYS):c.2137+1G>A

Gene: EYS (EGF-like photoreceptor maintenance factor; minus strand). Cytogenetic location: 6q12.
Variant type: single nucleotide variant.
Coding change: c.2137+1G>A on transcript NM_001142800.2 (MANE Select); the canonical splice donor site of the intron after coding-DNA position 2137, G replaced by A.
Molecular consequence: splice donor variant.
Genome position (GRCh38, 1-based): chr6:65,057,613, C>T on the plus strand (G>A on the coding strand, the complement: EYS is on the minus strand). VCF-style: chr6-65057613-C-T. GRCh37 (hg19) VCF-style: chr6-65767506-C-T.
Other names: c.2137+1G>A (NM_001292009.2).
Identifiers: ClinVar variation 421249 (VCV000421249.91), dbSNP rs199740930, ClinGen allele CA3877324.
Genomic context (GRCh38, chr6:65,057,613, plus strand): 5'-GACAGAAGTGCTTTTTAAAGTTAATTATGTTTGCTTTTCCTTATCCCTTGGTGTTCATTA[C>T]CTTTAAATGGAGGCACACACTGGCAGAAGTAATTACCAGGTTGGTCAATGCAGGTGGCTC-3'